The following is an entry in ClinVar:

NM_024580.6(EFL1):c.1345C>T (p.His449Tyr)

Gene: EFL1 (elongation factor like GTPase 1; minus strand). Cytogenetic location: 15q25.2.
Variant type: single nucleotide variant.
Coding change: c.1345C>T on transcript NM_024580.6 (MANE Select); coding-DNA position 1345, C replaced by T.
Protein change: p.His449Tyr; replaces histidine 449 with tyrosine.
Molecular consequence: missense variant. On other transcripts: non-coding transcript variant (1).
Genome position (GRCh38, 1-based): chr15:82,220,177, G>A on the plus strand (C>T on the coding strand, the complement: EFL1 is on the minus strand). VCF-style: chr15-82220177-G-A. GRCh37 (hg19) VCF-style: chr15-82512518-G-A.
Other names: c.1345C>T (NM_024580.5); c.1192C>T, p.His398Tyr (NM_001040610.3); c.556C>T, p.His186Tyr (NM_001322844.2); c.1345C>T, p.His449Tyr (NM_001322845.2); short protein forms H449Y, H398Y, H186Y.
Identifiers: ClinVar variation 1391164 (VCV001391164.10), dbSNP rs200909754, ClinGen allele CA7698004.

ClinVar aggregate classification (germline): Uncertain significance. Review status: criteria provided, multiple submitters, no conflicts (2 of 4 stars). 3 submissions from 3 submitters: Uncertain significance (3). Last evaluated 2025-12-26.

Conditions:
Shwachman-Diamond syndrome 2. Identifiers: MedGen C4693704, MONDO:0044205, OMIM 617941.

Allele frequency attached by ClinVar (database versions not stated): gnomAD 0.00003; TOPMed 0.00003; gnomAD exomes 0.00004 and 0.00005; ExAC 0.00005.
gnomAD v4.1: 64 of 1,613,420 alleles (0.004%); highest among the groups gnomAD compares: Middle Eastern, 0.05%; no homozygotes.

Submissions (3):

Labcorp Genetics (formerly Invitae), Labcorp
Classification: Uncertain significance. Last evaluated: 2025-12-26. Review status: criteria provided, single submitter. Criteria: Invitae Variant Classification Sherloc (09022015). Collection method: clinical testing. Allele origin: germline.
Comment: This sequence change replaces histidine, which is basic and polar, with tyrosine, which is neutral and polar, at codon 449 of the EFL1 protein (p.His449Tyr). This variant is present in population databases (rs200909754, gnomAD 0.02%). This variant has not been reported in the literature in individuals affected with EFL1-related conditions. ClinVar contains an entry for this variant (Variation ID: 1391164). Invitae Evidence Modeling of protein sequence and biophysical properties (such as structural, functional, and spatial information, amino acid conservation, physicochemical variation, residue mobility, and thermodynamic stability) indicates that this missense variant is not expected to disrupt EFL1 protein function with a negative predictive value of 80%. Algorithms developed to predict the effect of sequence changes on RNA splicing suggest that this variant may disrupt the consensus splice site. In summary, the available evidence is currently insufficient to determine the role of this variant in disease. Therefore, it has been classified as a Variant of Uncertain Significance.

Blueprint Genetics
Classification: Uncertain significance. Last evaluated: 2024-06-03. Review status: criteria provided, single submitter. Criteria: ACMG Guidelines, 2015. Collection method: clinical testing. Allele origin: germline.

Breakthrough Genomics
Classification: Uncertain significance. Review status: criteria provided, single submitter. Criteria: ACMG Guidelines, 2015. Collection method: not provided. Allele origin: germline. Inheritance: Autosomal recessive inheritance. Affected: yes.